The following is an entry in ClinVar:

ClinVar aggregate classification (germline): Uncertain significance. Review status: criteria provided, multiple submitters, no conflicts (2 of 4 stars). 3 submissions from 3 submitters: Uncertain significance (3). Last evaluated 2023-05-12.

Conditions:
Hereditary cancer-predisposing syndrome. Also called: Neoplastic Syndromes, Hereditary; Tumor predisposition; Hereditary Cancer Syndrome; Hereditary neoplastic syndrome. Identifiers: Orphanet 140162, MedGen C0027672, MeSH D009386, MONDO:0015356.
Familial cancer of breast. Also called: BREAST CANCER, FAMILIAL; Hereditary breast cancer; hereditary breast carcinoma. Identifiers: Orphanet 227535, MedGen C0346153, MONDO:0016419, OMIM 114480. Disease mechanism: loss of function.

Submissions (3):

Baylor Genetics
Classification: Uncertain significance for Familial cancer of breast. Last evaluated: 2023-05-12. Review status: criteria provided, single submitter. Criteria: ACMG Guidelines, 2015. Collection method: clinical testing. Allele origin: unknown.

GeneDx
Classification: Uncertain significance. Last evaluated: 2022-11-18. Review status: criteria provided, single submitter. Criteria: GeneDx Variant Classification Process June 2021. Collection method: clinical testing. Allele origin: germline. Affected: yes.
Comment: Not observed at significant frequency in large population cohorts (gnomAD); In silico analysis supports that this missense variant has a deleterious effect on protein structure/function; Has not been previously published as pathogenic or benign to our knowledge

Ambry Genetics
Classification: Uncertain significance for Hereditary cancer-predisposing syndrome. Last evaluated: 2022-09-19. Review status: criteria provided, single submitter. Criteria: Ambry Variant Classification Scheme 2023. Collection method: clinical testing. Allele origin: germline.
Comment: The p.C620Y variant (also known as c.1859G>A), located in coding exon 11 of the ATM gene, results from a G to A substitution at nucleotide position 1859. The cysteine at codon 620 is replaced by tyrosine, an amino acid with highly dissimilar properties. This amino acid position is conserved. In addition, this alteration is predicted to be tolerated by in silico analysis. Since supporting evidence is limited at this time, the clinical significance of this alteration remains unclear.

NM_000051.4(ATM):c.1859G>A (p.Cys620Tyr)

Gene: ATM (ATM serine/threonine kinase; plus strand). Cytogenetic location: 11q22.3.
Variant type: single nucleotide variant.
Coding change: c.1859G>A on transcript NM_000051.4 (MANE Select); coding-DNA position 1859, G replaced by A.
Protein change: p.Cys620Tyr; replaces cysteine 620 with tyrosine.
Molecular consequence: missense variant.
Genome position (GRCh38, 1-based): chr11:108,252,873, G>A. VCF-style: chr11-108252873-G-A. GRCh37 (hg19) VCF-style: chr11-108123600-G-A.
Other names: c.1859G>A, p.Cys620Tyr (NM_001351834.2); short protein forms C620Y.
Identifiers: ClinVar variation 1781460 (VCV001781460.4), dbSNP rs2135354234, ClinGen allele CA382535911.
Genomic context (GRCh38, chr11:108,252,873, plus strand): 5'-GTAGTAATTTTCCTCATCTTGTACTGGAGAAAATTCTTGTGAGTCTCACTATGAAAAACT[G>A]TAAAGCTGCAATGAATTTTTTCCAAAGCGTGCCAGAATGGTATGTTATCTAATAATGCTC-3'
Protein context (NP_000042.3, residues 610-630): KILVSLTMKN[Cys620Tyr]KAAMNFFQSV